The following is an entry in ClinVar:

NM_001267550.2(TTN):c.1252C>T (p.Gln418Ter)

Gene: TTN (titin; minus strand). Cytogenetic location: 2q31.2.
Variant type: single nucleotide variant.
Coding change: c.1252C>T on transcript NM_001267550.2 (MANE Select); coding-DNA position 1252, C replaced by T.
Protein change: p.Gln418Ter; replaces glutamine 418 with a stop codon.
Molecular consequence: nonsense.
Genome position (GRCh38, 1-based): chr2:178,794,545, G>A on the plus strand (C>T on the coding strand, the complement: TTN is on the minus strand). VCF-style: chr2-178794545-G-A. GRCh37 (hg19) VCF-style: chr2-179659272-G-A.
Other names: c.1252C>T, p.Gln418Ter (NM_001256850.1, NM_003319.4, NM_133378.4 and 3 more transcripts); short protein forms Q418*.
Identifiers: ClinVar variation 2076441 (VCV002076441.4), dbSNP rs1290100739, ClinGen allele CA349516823.

ClinVar aggregate classification (germline): Likely pathogenic (1 of 4 stars; one submission).

Conditions:
Dilated cardiomyopathy 1G (CMD1G). Identifiers: Orphanet 154, MedGen C1858763, MONDO:0011400, OMIM 604145.
Autosomal recessive limb-girdle muscular dystrophy type 2J (LGMDR10). Also called: Limb-girdle muscular dystrophy, type 2J; MUSCULAR DYSTROPHY, LIMB-GIRDLE, AUTOSOMAL RECESSIVE 10. Identifiers: Orphanet 140922, MedGen C1837342, MONDO:0012127, OMIM 608807.

Submission:

Labcorp Genetics (formerly Invitae), Labcorp
Classification: Likely pathogenic for Dilated cardiomyopathy 1G; Autosomal recessive limb-girdle muscular dystrophy type 2J. Last evaluated: 2024-10-18. Review status: criteria provided, single submitter. Criteria: Invitae Variant Classification Sherloc (09022015). Collection method: clinical testing. Allele origin: germline.
Comment: This sequence change creates a premature translational stop signal (p.Gln418*) in the TTN gene. While this is not anticipated to result in nonsense mediated decay, it is expected to create a truncated TTN protein. This variant is not present in population databases (gnomAD no frequency). This variant has not been reported in the literature in individuals affected with TTN-related conditions. ClinVar contains an entry for this variant (Variation ID: 2076441). This variant is located in the Z band of TTN (PMID: 25589632). Truncating variants in this region have been reported in individuals affected with autosomal recessive centronuclear myopathy (PMID: 33449170, internal data). Truncating variants in this region have also been identified in individuals affected with autosomal dominant dilated cardiomyopathy and/or cardio-related conditions (PMID: 27869827, 32964742, internal data). In summary, the currently available evidence indicates that the variant is pathogenic, but additional data are needed to prove that conclusively. Therefore, this variant has been classified as Likely Pathogenic.

Literature cited by the submitters: PubMed 25589632; PubMed 33449170; PubMed 27869827; PubMed 32964742.